The following is an entry in ClinVar:

NM_004586.3(RPS6KA3):c.1023T>C (p.His341=)

Gene: RPS6KA3 (ribosomal protein S6 kinase A3; minus strand). Cytogenetic location: Xp22.12.
Variant type: single nucleotide variant.
Coding change: c.1023T>C on transcript NM_004586.3 (MANE Select); coding-DNA position 1023, T replaced by C.
Protein change: p.His341=; no amino-acid change (histidine 341 retained).
Molecular consequence: synonymous variant.
Genome position (GRCh38, 1-based): chrX:20,176,329, A>G on the plus strand (T>C on the coding strand, the complement: RPS6KA3 is on the minus strand). VCF-style: chrX-20176329-A-G. GRCh37 (hg19) VCF-style: chrX-20194447-A-G.
Identifiers: ClinVar variation 588482 (VCV000588482.57), dbSNP rs150848826, ClinGen allele CA10366178.

ClinVar aggregate classification (germline): Benign/Likely benign. Review status: criteria provided, multiple submitters, no conflicts (2 of 4 stars). 5 submissions from 5 submitters: Benign (3); Likely benign (2). Last evaluated 2025-12-21.

Conditions:
RPS6KA3-related disorder. Also called: RPS6KA3-related condition.
Inborn genetic diseases. Identifiers: MedGen C0950123, MeSH D030342.
Coffin-Lowry syndrome (CLS). Also called: COFFIN-LOWRY SYNDROME, MILD; Mental retardation with osteocartilaginous abnormalities. Identifiers: Orphanet 192, MedGen C0265252, MONDO:0010561, OMIM 303600.
Intellectual developmental disorder, X-linked 19. Also called: Intellectual disability, X-linked 19. Identifiers: Orphanet 777, MedGen C0796225, MONDO:0010447, OMIM 300844.

Allele frequency attached by ClinVar (database versions not stated): 1000 Genomes Project 0.00212; 1000 Genomes Project 30x 0.00250; ExAC 0.00047; gnomAD 0.00099 and 0.00100; TOPMed 0.00109; gnomAD exomes 0.00035 and 0.00013; ESP Exome Variant Server 0.00161.
gnomAD v4.1: 256 of 1,190,402 alleles (0.022%); highest among the groups gnomAD compares: African/African-American, 0.33%; 2 homozygotes.

Submissions (5):

Labcorp Genetics (formerly Invitae), Labcorp
Classification: Benign for Coffin-Lowry syndrome; Intellectual developmental disorder, X-linked 19. Last evaluated: 2025-12-21. Review status: criteria provided, single submitter. Criteria: Invitae Variant Classification Sherloc (09022015). Collection method: clinical testing. Allele origin: germline.

PreventionGenetics, part of Exact Sciences
Classification: Likely benign for RPS6KA3-related condition. Last evaluated: 2025-04-08. Review status: criteria provided, single submitter. Criteria: ACMG Guidelines, 2015. Collection method: clinical testing. Allele origin: germline.
Comment: This variant is classified as likely benign based on ACMG/AMP sequence variant interpretation guidelines (Richards et al. 2015 PMID: 25741868, with internal and published modifications).

Blueprint Genetics
Classification: Likely benign. Last evaluated: 2024-10-02. Review status: criteria provided, single submitter. Criteria: ACMG Guidelines, 2015. Collection method: clinical testing. Allele origin: germline.

GeneDx
Classification: Benign. Last evaluated: 2020-04-16. Review status: criteria provided, single submitter. Criteria: GeneDx Variant Classification Process June 2021. Collection method: clinical testing. Allele origin: germline. Affected: yes.

Ambry Genetics
Classification: Benign for Inborn genetic diseases. Last evaluated: 2016-11-22. Review status: criteria provided, single submitter. Criteria: Ambry Variant Classification Scheme 2023. Collection method: clinical testing. Allele origin: germline.